The following is an entry in ClinVar:

NM_001395413.1(POR):c.1600G>C (p.Gly534Arg)

Gene: POR (cytochrome p450 oxidoreductase; plus strand). Cytogenetic location: 7q11.23.
Variant type: single nucleotide variant.
Coding change: c.1600G>C on transcript NM_001395413.1 (MANE Select); coding-DNA position 1600, G replaced by C.
Protein change: p.Gly534Arg; replaces glycine 534 with arginine.
Molecular consequence: missense variant.
Genome position (GRCh38, 1-based): chr7:75,985,789, G>C. VCF-style: chr7-75985789-G-C. GRCh37 (hg19) VCF-style: chr7-75615107-G-C.
Other names: c.1600G>C, p.Gly534Arg (NM_001367562.3, NM_001382657.2, NM_001382658.3 and 1 more transcripts); c.1654G>C, p.Gly552Arg (NM_001382655.3); c.1450G>C, p.Gly484Arg (NM_001382662.3); short protein forms G484R, G534R, G552R.
Identifiers: ClinVar variation 909543 (VCV000909543.8), dbSNP rs569673150, ClinGen allele CA4304201.

ClinVar aggregate classification (germline): Uncertain significance. Review status: criteria provided, multiple submitters, no conflicts (2 of 4 stars). 3 submissions from 3 submitters: Uncertain significance (2). 1 of the submissions does not count toward it. Last evaluated 2021-10-09.

Conditions:
POR-related disorder. Also called: POR-related condition.
Congenital adrenal hyperplasia due to cytochrome P450 oxidoreductase deficiency. Also called: DISORDERED STEROIDOGENESIS DUE TO POR DEFICIENCY. Identifiers: Orphanet 95699, MedGen C1860042, MONDO:0013310, OMIM 613571.

Allele frequency attached by ClinVar (database versions not stated): TOPMed 0.00004.
gnomAD v4.1: 103 of 1,570,070 alleles (0.0066%); highest among the groups gnomAD compares: Non-Finnish European, 0.0085%; no homozygotes.

Submissions (3):

Labcorp Genetics (formerly Invitae), Labcorp
Classification: Uncertain significance for Congenital adrenal hyperplasia due to cytochrome P450 oxidoreductase deficiency. Last evaluated: 2021-10-09. Review status: criteria provided, single submitter. Criteria: Invitae Variant Classification Sherloc (09022015). Collection method: clinical testing. Allele origin: germline.
Comment: This sequence change replaces glycine with arginine at codon 537 of the POR protein (p.Gly537Arg). The glycine residue is highly conserved and there is a moderate physicochemical difference between glycine and arginine. This variant is present in population databases (rs569673150, ExAC 0.02%). This variant has not been reported in the literature in individuals affected with POR-related conditions. ClinVar contains an entry for this variant (Variation ID: 909543). Algorithms developed to predict the effect of missense changes on protein structure and function (SIFT, PolyPhen-2, Align-GVGD) all suggest that this variant is likely to be disruptive. In summary, the available evidence is currently insufficient to determine the role of this variant in disease. Therefore, it has been classified as a Variant of Uncertain Significance.

Illumina Laboratory Services, Illumina
Classification: Uncertain significance for Congenital adrenal hyperplasia due to cytochrome P450 oxidoreductase deficiency. Last evaluated: 2018-01-12. Review status: criteria provided, single submitter. Criteria: ICSL Variant Classification Criteria 13 December 2019. Collection method: clinical testing. Allele origin: germline.

PreventionGenetics, part of Exact Sciences
Classification: Uncertain significance for POR-related condition. Last evaluated: 2024-01-21. Review status: no assertion criteria provided. Collection method: clinical testing. Allele origin: germline. Not counted in ClinVar's aggregate classification.
Comment: The POR c.1609G>C variant is predicted to result in the amino acid substitution p.Gly537Arg. To our knowledge, this variant has not been reported in the literature. The p.Gly537 residue is highly conserved during evolution. This variant is reported in 0.0033% of alleles in individuals of European (Non-Finnish) descent in gnomAD. Of note, a different substitution at the same codon, defined as c.1609G>A (p.Gly537Ser), has been reported in the compound heterozygous state with a pathogenic variant (c.1370G>A, p.Arg457His) in an individual with mild hypospadias in a study of 46,XY disorders of sex development (Xie et al. 2022. PubMed ID: 35729303). Therefore, the c.1609G>C (p.Gly537Arg) variant could also be pathogenic. At this time, however, the clinical significance of this variant is uncertain due to the absence of conclusive functional and genetic evidence.